The following is an entry in ClinVar:

NM_152722.5(HEPACAM):c.47G>A (p.Arg16His)

Gene: HEPACAM (hepatic and glial cell adhesion molecule; minus strand). Cytogenetic location: 11q24.2.
Variant type: single nucleotide variant.
Coding change: c.47G>A on transcript NM_152722.5 (MANE Select); coding-DNA position 47, G replaced by A.
Protein change: p.Arg16His; replaces arginine 16 with histidine.
Molecular consequence: missense variant.
Genome position (GRCh38, 1-based): chr11:124,935,960, C>T on the plus strand (G>A on the coding strand, the complement: HEPACAM is on the minus strand). VCF-style: chr11-124935960-C-T. GRCh37 (hg19) VCF-style: chr11-124805856-C-T.
Other names: c.47G>A, p.Arg16His (NM_001411043.1); short protein forms R16H.
Identifiers: ClinVar variation 1904649 (VCV001904649.5), dbSNP rs755871258, ClinGen allele CA6345845.

ClinVar aggregate classification (germline): Uncertain significance (1 of 4 stars; one submission).

Allele frequency attached by ClinVar (database versions not stated): ExAC 0.00002.
gnomAD v4.1: 16 of 1,614,062 alleles (0.00099%); highest among the groups gnomAD compares: East Asian, 0.016%; no homozygotes.

Submission:

Labcorp Genetics (formerly Invitae), Labcorp
Classification: Uncertain significance. Last evaluated: 2024-07-15. Review status: criteria provided, single submitter. Criteria: Invitae Variant Classification Sherloc (09022015). Collection method: clinical testing. Allele origin: germline.
Comment: This sequence change replaces arginine, which is basic and polar, with histidine, which is basic and polar, at codon 16 of the HEPACAM protein (p.Arg16His). This variant is present in population databases (rs755871258, gnomAD 0.03%). This variant has not been reported in the literature in individuals affected with HEPACAM-related conditions. ClinVar contains an entry for this variant (Variation ID: 1904649). Advanced modeling of protein sequence and biophysical properties (such as structural, functional, and spatial information, amino acid conservation, physicochemical variation, residue mobility, and thermodynamic stability) performed at Invitae indicates that this missense variant is not expected to disrupt HEPACAM protein function with a negative predictive value of 80%. In summary, the available evidence is currently insufficient to determine the role of this variant in disease. Therefore, it has been classified as a Variant of Uncertain Significance.